The following is an entry in ClinVar:

ClinVar aggregate classification (germline): Conflicting classifications of pathogenicity. Review status: criteria provided, conflicting classifications (1 of 4 stars). 12 submissions from 12 submitters: Uncertain significance (1); Benign (8); Likely benign (1). 2 of the submissions do not count toward it. Last evaluated 2026-09-01.

Conditions:
Retinal dystrophy. Also called: Inherited retinal dystrophy. Identifiers: Orphanet 71862, MedGen C0854723, MeSH D058499, MONDO:0019118, HP:0000556.
Retinitis pigmentosa (RP). Identifiers: Orphanet 791, MedGen C0035334, MeSH D012174, MONDO:0019200, OMIM 268000. Inheritance: Autosomal dominant, autosomal recessive and X linked inheritance.
Usher syndrome type 2A. Also called: RETINAL DISEASE IN USHER SYNDROME TYPE IIA, MODIFIER OF; USHER SYNDROME, TYPE IIA. Identifiers: Orphanet 231178, Orphanet 886, MedGen C1848634, MONDO:0010169, OMIM 276901.

Allele frequency attached by ClinVar (database versions not stated): 1000 Genomes Project 30x 0.00937; 1000 Genomes Project 0.01018; ESP Exome Variant Server 0.01592; TOPMed 0.01304; gnomAD 0.01191; ExAC 0.01548.
gnomAD v4.1: 32,157 of 1,613,260 alleles (2%); highest among the groups gnomAD compares: South Asian, 2.2%; 361 homozygotes.

Submissions (12):

CeGaT Center for Human Genetics Tuebingen
Classification: Benign. Last evaluated: 2026-09-01. Review status: criteria provided, single submitter. Criteria: CeGaT Center For Human Genetics Tuebingen Variant Classification Criteria Version 2. Collection method: clinical testing. Allele origin: germline. Affected: yes. Observed: 34 variant alleles.
Comment: USH2A: BP4, BS1, BS2

Labcorp Genetics (formerly Invitae), Labcorp
Classification: Benign. Last evaluated: 2026-02-02. Review status: criteria provided, single submitter. Criteria: Invitae Variant Classification Sherloc (09022015). Collection method: clinical testing. Allele origin: germline.

ARUP Laboratories, Molecular Genetics and Genomics, ARUP Laboratories
Classification: Benign. Last evaluated: 2023-11-07. Review status: criteria provided, single submitter. Criteria: ARUP Molecular Germline Variant Investigation Process 2024. Collection method: clinical testing. Allele origin: germline.

Dept Of Ophthalmology, Nagoya University
Classification: Benign for Retinal dystrophy. Last evaluated: 2023-10-01. Review status: criteria provided, single submitter. Criteria: Submitter's publication. Collection method: research. Allele origin: germline. Affected: yes.

Women's Health and Genetics/Laboratory Corporation of America, LabCorp
Classification: Likely benign. Last evaluated: 2022-02-18. Review status: criteria provided, single submitter. Criteria: LabCorp Variant Classification Summary - May 2015. Collection method: clinical testing. Allele origin: germline.

Athena Diagnostics
Classification: Benign. Last evaluated: 2018-08-31. Review status: criteria provided, single submitter. Criteria: Athena Diagnostics Criteria. Collection method: clinical testing. Allele origin: germline.

Illumina Laboratory Services, Illumina
Classification: Uncertain significance for Retinitis pigmentosa. Last evaluated: 2017-04-27. Review status: criteria provided, single submitter. Criteria: ICSL Variant Classification Criteria 13 December 2019. Collection method: clinical testing. Allele origin: germline.
Comment: This variant was observed as part of a predisposition screen in an ostensibly healthy population. A literature search was performed for the gene, cDNA change, and amino acid change (where applicable). Publications were found based on this search. However, the evidence from the literature, in combination with allele frequency data from public databases where available, was not sufficient to rule this variant in or out of causing disease. Therefore, this variant is classified as a variant of unknown significance.

Eurofins Ntd Llc (ga)
Classification: Benign. Last evaluated: 2014-09-22. Review status: criteria provided, single submitter. Criteria: EGL Classification Definitions 2015. Collection method: clinical testing. Allele origin: germline. Observed: 2 variant alleles, 2 heterozygotes.

GeneDx
Classification: Benign. Last evaluated: 2013-01-07. Review status: criteria provided, single submitter. Criteria: GeneDx Variant Classification (06012015). Collection method: clinical testing. Allele origin: germline. Affected: yes.
Comment: This variant is considered likely benign or benign based on one or more of the following criteria: it is a conservative change, it occurs at a poorly conserved position in the protein, it is predicted to be benign by multiple in silico algorithms, and/or has population frequency not consistent with disease.

Laboratory for Molecular Medicine, Mass General Brigham Personalized Medicine
Classification: Benign. Last evaluated: 2008-12-03. Review status: criteria provided, single submitter. Criteria: LMM Criteria. Collection method: clinical testing. Allele origin: germline. Observed: 71 variant alleles.

Natera, Inc.
Classification: Benign for Usher syndrome type 2A. Last evaluated: 2020-09-16. Review status: no assertion criteria provided. Collection method: clinical testing. Allele origin: germline. Not counted in ClinVar's aggregate classification.

Department of Ophthalmology and Visual Sciences Kyoto University
Classification: Likely benign. Review status: no assertion criteria provided. Collection method: not provided. Allele origin: unknown. Not counted in ClinVar's aggregate classification.
ClinVar note: Converted during submission from probable-non-pathogenic to Likely benign.

Literature cited by the submitters: PubMed 15325563 (cited by Athena Diagnostics and Laboratory for Molecular Medicine, Mass General Brigham Personalized Medicine); PubMed 12786748 (cited by Athena Diagnostics); PubMed 16098008 (cited by Athena Diagnostics); PubMed 11311042 (cited by Athena Diagnostics and Laboratory for Molecular Medicine, Mass General Brigham Personalized Medicine); PubMed 19683999 (cited by Athena Diagnostics); PubMed 16963483 (cited by Athena Diagnostics and Laboratory for Molecular Medicine, Mass General Brigham Personalized Medicine); PubMed 20591486 (cited by Athena Diagnostics); PubMed 10909849 (cited by 3 submitters); PubMed 18273898 (cited by Laboratory for Molecular Medicine, Mass General Brigham Personalized Medicine).

NM_206933.4(USH2A):c.688G>A (p.Val230Met)

Gene: USH2A (usherin; minus strand). Cytogenetic location: 1q41.
Variant type: single nucleotide variant.
Coding change: c.688G>A on transcript NM_206933.4 (MANE Select); coding-DNA position 688, G replaced by A.
Protein change: p.Val230Met; replaces valine 230 with methionine.
Molecular consequence: missense variant.
Genome position (GRCh38, 1-based): chr1:216,365,049, C>T on the plus strand (G>A on the coding strand, the complement: USH2A is on the minus strand). VCF-style: chr1-216365049-C-T. GRCh37 (hg19) VCF-style: chr1-216538391-C-T.
Other names: p.V230M:GTG>ATG; c.688G>A, p.Val230Met (NM_007123.6); short protein forms V230M.
Identifiers: ClinVar variation 48572 (VCV000048572.57), dbSNP rs45500891, ClinGen allele CA143578.